The following is an entry in ClinVar:

NM_017986.4(SLC52A1):c.511G>A (p.Glu171Lys)

Gene: SLC52A1 (solute carrier family 52 member 1; minus strand). Cytogenetic location: 17p13.2.
Variant type: single nucleotide variant.
Coding change: c.511G>A on transcript NM_017986.4 (MANE Select); coding-DNA position 511, G replaced by A.
Protein change: p.Glu171Lys; replaces glutamic acid 171 with lysine.
Molecular consequence: missense variant.
Genome position (GRCh38, 1-based): chr17:5,033,978, C>T on the plus strand (G>A on the coding strand, the complement: SLC52A1 is on the minus strand). VCF-style: chr17-5033978-C-T. GRCh37 (hg19) VCF-style: chr17-4937273-C-T.
Other names: c.511G>A, p.Glu171Lys (NM_001104577.2); short protein forms E171K.
Identifiers: ClinVar variation 3706943 (VCV003706943.2).

ClinVar aggregate classification (germline): Uncertain significance (1 of 4 stars; one submission).

Conditions:
Vitamin B2 deficiency. Identifiers: MedGen C0035528.

Submission:

Labcorp Genetics (formerly Invitae), Labcorp
Classification: Uncertain significance for Vitamin B2 deficiency. Last evaluated: 2025-04-03. Review status: criteria provided, single submitter. Criteria: Invitae Variant Classification Sherloc (09022015). Collection method: clinical testing. Allele origin: germline.
Comment: This sequence change replaces glutamic acid, which is acidic and polar, with lysine, which is basic and polar, at codon 171 of the SLC52A1 protein (p.Glu171Lys). This variant is present in population databases (no rsID available, gnomAD 0.003%). This variant has not been reported in the literature in individuals affected with SLC52A1-related conditions. ClinVar contains an entry for this variant (Variation ID: 3706943). Invitae Evidence Modeling of protein sequence and biophysical properties (such as structural, functional, and spatial information, amino acid conservation, physicochemical variation, residue mobility, and thermodynamic stability) indicates that this missense variant is not expected to disrupt SLC52A1 protein function with a negative predictive value of 80%. In summary, the available evidence is currently insufficient to determine the role of this variant in disease. Therefore, it has been classified as a Variant of Uncertain Significance.